The following is an entry in ClinVar:

NM_145290.4(ADGRA3):c.46_51dup (p.Leu17_Pro18insLeuLeu)

Gene: ADGRA3 (adhesion G protein-coupled receptor A3; minus strand). Cytogenetic location: 4p15.2.
Variant type: Duplication.
Coding change: c.46_51dup on transcript NM_145290.4 (MANE Select); coding-DNA positions 46 to 51, 6 bases duplicated (TTGCTG; older notation c.46_51dupTTGCTG).
Protein change: p.Leu17_Pro18insLeuLeu.
Molecular consequence: inframe insertion.
Genome position (GRCh38, 1-based): chr4:22,515,734-22,515,739, CAGCAA duplicated on the plus strand (TTGCTG on the coding strand, the reverse complement: ADGRA3 is on the minus strand); duplicating any 6 consecutive bases within chr4:22,515,734-22,515,743 gives the same sequence; the c. name uses the placement nearest the transcript's 3' end. VCF-style (leftmost placement, unchanged base first): chr4-22515733-G-GCAGCAA. GRCh37 (hg19) VCF-style: chr4-22517356-G-GCAGCAA.
Identifiers: ClinVar variation 2811054 (VCV002811054.3), dbSNP rs2474932060, ClinGen allele CA2739270028.

ClinVar aggregate classification (germline): Uncertain significance (1 of 4 stars; one submission).

Submission:

Labcorp Genetics (formerly Invitae), Labcorp
Classification: Uncertain significance. Last evaluated: 2023-03-20. Review status: criteria provided, single submitter. Criteria: Invitae Variant Classification Sherloc (09022015). Collection method: clinical testing. Allele origin: germline.
Comment: This variant, c.46_51dup, results in the insertion of 2 amino acid(s) of the ADGRA3 protein (p.Leu16_Leu17dup), but otherwise preserves the integrity of the reading frame. The frequency data for this variant in the population databases is considered unreliable, as metrics indicate insufficient coverage at this position in the gnomAD database. This variant has not been reported in the literature in individuals affected with ADGRA3-related conditions. Experimental studies and prediction algorithms are not available or were not evaluated, and the functional significance of this variant is currently unknown. In summary, the available evidence is currently insufficient to determine the role of this variant in disease. Therefore, it has been classified as a Variant of Uncertain Significance.